The following is an entry in ClinVar:

NM_004715.5(CTDP1):c.743G>C (p.Gly248Ala)

Gene: CTDP1 (CTD phosphatase subunit 1; plus strand). Cytogenetic location: 18q23.
Variant type: single nucleotide variant.
Coding change: c.743G>C on transcript NM_004715.5 (MANE Select); coding-DNA position 743, G replaced by C.
Protein change: p.Gly248Ala; replaces glycine 248 with alanine.
Molecular consequence: missense variant.
Genome position (GRCh38, 1-based): chr18:79,704,888, G>C. VCF-style: chr18-79704888-G-C. GRCh37 (hg19) VCF-style: chr18-77464888-G-C.
Other names: c.386G>C, p.Gly129Ala (NM_001202504.1); c.743G>C, p.Gly248Ala (NM_001318511.2, NM_048368.4); short protein forms G129A, G248A.
Identifiers: ClinVar variation 2419882 (VCV002419882.5), dbSNP rs2512054331, ClinGen allele CA402830846.

ClinVar aggregate classification (germline): Uncertain significance (1 of 4 stars; one submission).

Allele frequency attached by ClinVar (database versions not stated): gnomAD exomes below 0.00001.
gnomAD v4.1: 3 of 1,613,494 alleles (0.00019%); highest among the groups gnomAD compares: Admixed American, 0.0017%; no homozygotes.

Submission:

Labcorp Genetics (formerly Invitae), Labcorp
Classification: Uncertain significance. Last evaluated: 2023-05-15. Review status: criteria provided, single submitter. Criteria: Invitae Variant Classification Sherloc (09022015). Collection method: clinical testing. Allele origin: germline.
Comment: This sequence change replaces glycine, which is neutral and non-polar, with alanine, which is neutral and non-polar, at codon 248 of the CTDP1 protein (p.Gly248Ala). This variant is not present in population databases (gnomAD no frequency). This variant has not been reported in the literature in individuals affected with CTDP1-related conditions. ClinVar contains an entry for this variant (Variation ID: 2419882). An algorithm developed to predict the effect of missense changes on protein structure and function (PolyPhen-2) suggests that this variant is likely to be disruptive. In summary, the available evidence is currently insufficient to determine the role of this variant in disease. Therefore, it has been classified as a Variant of Uncertain Significance.